The following is an entry in ClinVar:

ClinVar aggregate classification (germline): Benign. Review status: criteria provided, multiple submitters, no conflicts (2 of 4 stars). 2 submissions from 2 submitters: Benign (2). Last evaluated 2018-01-12.

Conditions:
Galactosylceramide beta-galactosidase deficiency. Also called: GALACTOCEREBROSIDASE DEFICIENCY; GALC DEFICIENCY; GLOBOID CELL LEUKOENCEPHALOPATHY; Leukodystrophy, Globoid Cell; Krabbe Disease. Identifiers: Orphanet 487, MedGen C0023521, MONDO:0009499, OMIM 245200.

Allele frequency attached by ClinVar (database versions not stated): 1000 Genomes Project 0.07628; 1000 Genomes Project 30x 0.07886; TOPMed 0.10249; gnomAD 0.10975 and 0.11091; gnomAD exomes 0.14336.
gnomAD v4.1: 20,460 of 178,520 alleles (11%); highest among the groups gnomAD compares: Non-Finnish European, 16%; 1,445 homozygotes.

Submissions (2):

Illumina Laboratory Services, Illumina
Classification: Benign for Galactosylceramide beta-galactosidase deficiency. Last evaluated: 2018-01-12. Review status: criteria provided, single submitter. Criteria: ICSL Variant Classification Criteria 13 December 2019. Collection method: clinical testing. Allele origin: germline.
Comment: This variant was observed in the ICSL laboratory as part of a predisposition screen in an ostensibly healthy population. It had not been previously curated by ICSL or reported in the Human Gene Mutation Database (HGMD: prior to June 1st, 2018), and was therefore a candidate for classification through an automated scoring system. Utilizing variant allele frequency, disease prevalence and penetrance estimates, and inheritance mode, an automated score was calculated to assess if this variant is too frequent to cause the disease. Based on the score and internal cut-off values, a variant classified as benign is not then subjected to further curation. The score for this variant resulted in a classification of benign for this disease.

Breakthrough Genomics
Classification: Benign. Review status: criteria provided, single submitter. Criteria: ACMG Guidelines, 2015. Collection method: not provided. Allele origin: germline. Inheritance: Autosomal recessive inheritance. Affected: yes.

NM_000153.4(GALC):c.*1126G>A

Gene: GALC (galactosylceramidase; minus strand). Cytogenetic location: 14q31.3.
Variant type: single nucleotide variant.
Coding change: c.*1126G>A on transcript NM_000153.4 (MANE Select); 1126 bases downstream of the stop codon, G replaced by A.
Molecular consequence: 3 prime UTR variant.
Genome position (GRCh38, 1-based): chr14:87,933,606, C>T on the plus strand (G>A on the coding strand, the complement: GALC is on the minus strand). VCF-style: chr14-87933606-C-T. GRCh37 (hg19) VCF-style: chr14-88399950-C-T.
Other names: c.*1126G>A (NM_001201401.2, NM_001201402.2).
Identifiers: ClinVar variation 314733 (VCV000314733.6), dbSNP rs1042035, ClinGen allele CA10641194.